The following is an entry in ClinVar:

ClinVar aggregate classification (germline): Likely benign. Review status: criteria provided, multiple submitters, no conflicts (2 of 4 stars). 2 submissions from 2 submitters: Likely benign (2). Last evaluated 2025-06-04.

Conditions:
PCNT-related disorder. Also called: PCNT-related condition.

Allele frequency attached by ClinVar (database versions not stated): ExAC 0.00001; gnomAD exomes 0.00001; gnomAD 0.00002; ESP Exome Variant Server 0.00008.
gnomAD v4.1: 20 of 1,612,814 alleles (0.0012%); highest among the groups gnomAD compares: Non-Finnish European, 0.0017%; no homozygotes.

Submissions (2):

PreventionGenetics, part of Exact Sciences
Classification: Likely benign for PCNT-related condition. Last evaluated: 2025-06-04. Review status: criteria provided, single submitter. Criteria: ACMG Guidelines, 2015. Collection method: clinical testing. Allele origin: germline.
Comment: This variant is classified as likely benign based on ACMG/AMP sequence variant interpretation guidelines (Richards et al. 2015 PMID: 25741868, with internal and published modifications).

Labcorp Genetics (formerly Invitae), Labcorp
Classification: Likely benign. Last evaluated: 2024-02-08. Review status: criteria provided, single submitter. Criteria: Invitae Variant Classification Sherloc (09022015). Collection method: clinical testing. Allele origin: germline.

NM_006031.6(PCNT):c.354G>C (p.Gly118=)

Gene: PCNT (pericentrin; plus strand). Cytogenetic location: 21q22.3.
Variant type: single nucleotide variant.
Coding change: c.354G>C on transcript NM_006031.6 (MANE Select); coding-DNA position 354, G replaced by C.
Protein change: p.Gly118=; no amino-acid change (glycine 118 retained).
Molecular consequence: synonymous variant. On other transcripts: 5 prime UTR variant (1).
Genome position (GRCh38, 1-based): chr21:46,334,483, G>C. VCF-style: chr21-46334483-G-C. GRCh37 (hg19) VCF-style: chr21-47754397-G-C.
Other names: c.-1G>C (NM_001315529.2, NM_001315529.1).
Identifiers: ClinVar variation 2190931 (VCV002190931.5), dbSNP rs375460394, ClinGen allele CA10078230.